The following is an entry in ClinVar:

NM_001018111.3(PODXL):c.1220C>T (p.Thr407Ile)

Gene: PODXL (podocalyxin like; minus strand). Cytogenetic location: 7q32.3.
Variant type: single nucleotide variant.
Coding change: c.1220C>T on transcript NM_001018111.3 (MANE Select); coding-DNA position 1220, C replaced by T.
Protein change: p.Thr407Ile; replaces threonine 407 with isoleucine.
Molecular consequence: missense variant.
Genome position (GRCh38, 1-based): chr7:131,506,608, G>A on the plus strand (C>T on the coding strand, the complement: PODXL is on the minus strand). VCF-style: chr7-131506608-G-A. GRCh37 (hg19) VCF-style: chr7-131191367-G-A.
Other names: c.1124C>T, p.Thr375Ile (NM_005397.4); c.1220C>T (NM_001018111.2); short protein forms T407I, T375I.
Identifiers: ClinVar variation 1392190 (VCV001392190.30), dbSNP rs765696227, ClinGen allele CA4488446.
Genomic context (GRCh38, chr7:131,506,608, plus strand): 5'-CCCAGCCCAGGCCCCCTTGCCCTCCACTCACTGTGAATAGTGATTTCTTTGACGACCACG[G>A]TCTGACTTCCTGGAACAGATGCCAGCCGTATGCCGCACTTATCTTGGGCCGGGTTGAAGG-3'
Protein context (NP_001018121.1, residues 397-417): IRLASVPGSQ[Thr407Ile]VVVKEITIHT

ClinVar aggregate classification (germline): Uncertain significance. Review status: criteria provided, multiple submitters, no conflicts (2 of 4 stars). 3 submissions from 3 submitters: Uncertain significance (3). Last evaluated 2025-06-02.

Conditions:
Inborn genetic diseases. Identifiers: MedGen C0950123, MeSH D030342.

Allele frequency attached by ClinVar (database versions not stated): gnomAD exomes 0.00002; TOPMed 0.00003; ExAC 0.00004; gnomAD 0.00005.
gnomAD v4.1: 39 of 1,614,052 alleles (0.0024%); highest among the groups gnomAD compares: African/African-American, 0.0093%; no homozygotes.

Submissions (3):

Labcorp Genetics (formerly Invitae), Labcorp
Classification: Uncertain significance. Last evaluated: 2025-06-02. Review status: criteria provided, single submitter. Criteria: Invitae Variant Classification Sherloc (09022015). Collection method: clinical testing. Allele origin: germline.
Comment: This sequence change replaces threonine, which is neutral and polar, with isoleucine, which is neutral and non-polar, at codon 375 of the PODXL protein (p.Thr375Ile). This variant is present in population databases (rs765696227, gnomAD 0.02%). This variant has not been reported in the literature in individuals affected with PODXL-related conditions. ClinVar contains an entry for this variant (Variation ID: 1392190). An algorithm developed to predict the effect of missense changes on protein structure and function (PolyPhen-2) suggests that this variant is likely to be tolerated. In summary, the available evidence is currently insufficient to determine the role of this variant in disease. Therefore, it has been classified as a Variant of Uncertain Significance.

Ambry Genetics
Classification: Uncertain significance for Inborn genetic diseases. Last evaluated: 2024-08-27. Review status: criteria provided, single submitter. Criteria: Ambry Variant Classification Scheme 2023. Collection method: clinical testing. Allele origin: germline.

CeGaT Center for Human Genetics Tuebingen
Classification: Uncertain significance. Last evaluated: 2023-06-01. Review status: criteria provided, single submitter. Criteria: CeGaT Center For Human Genetics Tuebingen Variant Classification Criteria Version 2. Collection method: clinical testing. Allele origin: germline. Affected: yes. Observed: 1 variant allele.
Comment: PODXL: PM2:Supporting, BP4